The following is an entry in ClinVar:

NM_001350162.2(TEX15):c.706A>G (p.Ser236Gly)

Gene: TEX15 (testis expressed 15, meiosis and synapsis associated; minus strand). Cytogenetic location: 8p12.
Variant type: single nucleotide variant.
Coding change: c.706A>G on transcript NM_001350162.2 (MANE Select); coding-DNA position 706, A replaced by G.
Protein change: p.Ser236Gly; replaces serine 236 with glycine.
Molecular consequence: missense variant. On other transcripts: non-coding transcript variant (1).
Genome position (GRCh38, 1-based): chr8:30,858,812, T>C on the plus strand (A>G on the coding strand, the complement: TEX15 is on the minus strand). VCF-style: chr8-30858812-T-C. GRCh37 (hg19) VCF-style: chr8-30716328-T-C.
Other names: short protein forms S236G.
Identifiers: ClinVar variation 3025463 (VCV003025463.22), dbSNP rs116662195, ClinGen allele CA4703718.

ClinVar aggregate classification (germline): Benign (1 of 4 stars; one submission).

Allele frequency attached by ClinVar (database versions not stated): gnomAD exomes 0.00030; ExAC 0.00053; gnomAD 0.00309; TOPMed 0.00331; 1000 Genomes Project 0.00419; 1000 Genomes Project 30x 0.00453.
gnomAD v4.1: 908 of 1,533,938 alleles (0.059%); highest among the groups gnomAD compares: African/African-American, 1%; 7 homozygotes.

Submission:

CeGaT Center for Human Genetics Tuebingen
Classification: Benign. Last evaluated: 2024-06-01. Review status: criteria provided, single submitter. Criteria: CeGaT Center For Human Genetics Tuebingen Variant Classification Criteria Version 2. Collection method: clinical testing. Allele origin: germline. Affected: yes. Observed: 2 variant alleles.
Comment: TEX15: BS1, BS2